The following is an entry in ClinVar:

NM_002161.6(IARS1):c.1007G>A (p.Cys336Tyr)

Gene: IARS1 (isoleucyl-tRNA synthetase 1; minus strand). Cytogenetic location: 9q22.31.
Variant type: single nucleotide variant.
Coding change: c.1007G>A on transcript NM_002161.6 (MANE Select); coding-DNA position 1007, G replaced by A.
Protein change: p.Cys336Tyr; replaces cysteine 336 with tyrosine.
Molecular consequence: missense variant. On other transcripts: non-coding transcript variant (1).
Genome position (GRCh38, 1-based): chr9:92,271,639, C>T on the plus strand (G>A on the coding strand, the complement: IARS1 is on the minus strand). VCF-style: chr9-92271639-C-T. GRCh37 (hg19) VCF-style: chr9-95033921-C-T.
Other names: c.1007G>A, p.Cys336Tyr (NM_001374299.1, NM_001374300.1, NM_001374301.1 and 14 more transcripts); c.1070G>A, p.Cys357Tyr (NM_001378569.1); c.1028G>A, p.Cys343Tyr (NM_001378571.1); c.884G>A, p.Cys295Tyr (NM_001378583.1); short protein forms C336Y, C357Y, C295Y, C343Y.
Identifiers: ClinVar variation 1951956 (VCV001951956.5), dbSNP rs779862520, ClinGen allele CA5122759.

ClinVar aggregate classification (germline): Uncertain significance (1 of 4 stars; one submission).

Allele frequency attached by ClinVar (database versions not stated): TOPMed 0.00001; ExAC 0.00002.
gnomAD v4.1: 5 of 1,614,060 alleles (0.00031%); highest among the groups gnomAD compares: Admixed American, 0.005%; no homozygotes.

Submission:

Labcorp Genetics (formerly Invitae), Labcorp
Classification: Uncertain significance. Last evaluated: 2022-03-02. Review status: criteria provided, single submitter. Criteria: Invitae Variant Classification Sherloc (09022015). Collection method: clinical testing. Allele origin: germline.
Comment: In summary, the available evidence is currently insufficient to determine the role of this variant in disease. Therefore, it has been classified as a Variant of Uncertain Significance. Algorithms developed to predict the effect of missense changes on protein structure and function are either unavailable or do not agree on the potential impact of this missense change (SIFT: "Deleterious"; PolyPhen-2: "Probably Damaging"; Align-GVGD: "Class C0"). This variant has not been reported in the literature in individuals affected with IARS-related conditions. This variant is present in population databases (rs779862520, gnomAD 0.009%). This sequence change replaces cysteine, which is neutral and slightly polar, with tyrosine, which is neutral and polar, at codon 336 of the IARS protein (p.Cys336Tyr).